The following is an entry in ClinVar:

ClinVar aggregate classification (germline): Uncertain significance. Review status: criteria provided, multiple submitters, no conflicts (2 of 4 stars). 3 submissions from 3 submitters: Uncertain significance (3). Last evaluated 2025-10-18.

Conditions:
Inborn genetic diseases. Identifiers: MedGen C0950123, MeSH D030342.

gnomAD v4.1: 350 of 1,613,770 alleles (0.022%); highest among the groups gnomAD compares: Non-Finnish European, 0.022%; no homozygotes.

Submissions (3):

GeneDx
Classification: Uncertain significance. Last evaluated: 2025-10-18. Review status: criteria provided, single submitter. Criteria: GeneDx Variant Classification Process June 2021. Collection method: clinical testing. Allele origin: germline.
Comment: In silico analysis supports that this missense variant has a deleterious effect on protein structure/function; Has not been previously published as pathogenic or benign to our knowledge

Greenwood Genetic Center Diagnostic Laboratories, Greenwood Genetic Center
Classification: Uncertain significance. Last evaluated: 2022-01-20. Review status: criteria provided, single submitter. Criteria: ACMG Guidelines, 2015. Collection method: clinical testing. Allele origin: germline. Affected: yes.
Comment: PM2

Ambry Genetics
Classification: Uncertain significance for Inborn genetic diseases. Last evaluated: 2021-03-26. Review status: criteria provided, single submitter. Criteria: Ambry Variant Classification Scheme 2023. Collection method: clinical testing. Allele origin: germline.
Comment: The c.782G>A (p.R261Q) alteration is located in exon 7 (coding exon 7) of the BRF1 gene. This alteration results from a G to A substitution at nucleotide position 782, causing the arginine (R) at amino acid position 261 to be replaced by a glutamine (Q). The in silico prediction for the p.R261Q alteration is inconclusive. Based on insufficient or conflicting evidence, the clinical significance of this alteration remains unclear.

NM_001519.4(BRF1):c.782G>A (p.Arg261Gln)

Gene: BRF1 (BRF1 general transcription factor IIIB subunit; minus strand). Cytogenetic location: 14q32.33.
Variant type: single nucleotide variant.
Coding change: c.782G>A on transcript NM_001519.4 (MANE Select); coding-DNA position 782, G replaced by A.
Protein change: p.Arg261Gln; replaces arginine 261 with glutamine.
Molecular consequence: missense variant.
Genome position (GRCh38, 1-based): chr14:105,228,826, C>T on the plus strand (G>A on the coding strand, the complement: BRF1 is on the minus strand). VCF-style: chr14-105228826-C-T. GRCh37 (hg19) VCF-style: chr14-105695163-C-T.
Other names: c.782G>A (NM_001519.3); c.437G>A, p.Arg146Gln (NM_001242786.2, NM_001242787.2); c.701G>A, p.Arg234Gln (NM_001242788.2); c.68G>A, p.Arg23Gln (NM_001242789.2); c.170G>A, p.Arg57Gln (NM_145685.3); short protein forms R146Q, R234Q, R23Q, R261Q, R57Q.
Identifiers: ClinVar variation 1676537 (VCV001676537.8), dbSNP rs151290358, ClinGen allele CA7387469.
Genomic context (GRCh38, chr14:105,228,826, plus strand): 5'-CTGGACTGATGAAGCCTCTGTGTGGTCCCCATGCCATGAATGAGAGCCCCTCACCTCTTC[C>T]GCAGCGTGGACTCACACACTTTGACCACACTGATGACCTCCTTCACAGTCCTCCTGAAGT-3'
Protein context (NP_001510.2, residues 251-271): SVVKVCESTL[Arg261Gln]KRLTEFEDTP